The following is an entry in ClinVar:

NM_017934.7(PHIP):c.3766C>G (p.Leu1256Val)

Genes: IRAK1BP1 (interleukin 1 receptor associated kinase 1 binding protein 1; plus strand), PHIP (PHIP subunit of CUL4-Ring ligase complex; minus strand). Cytogenetic location: 6q14.1.
Variant type: single nucleotide variant.
Coding change: c.3766C>G on transcript NM_017934.7 (MANE Select); coding-DNA position 3766, C replaced by G.
Protein change: p.Leu1256Val; replaces leucine 1256 with valine.
Molecular consequence: missense variant.
Genome position (GRCh38, 1-based): chr6:78,958,491, G>C on the plus strand (C>G on the coding strand, the complement: PHIP is on the minus strand). VCF-style: chr6-78958491-G-C. GRCh37 (hg19) VCF-style: chr6-79668208-G-C.
Other names: c.3766C>G (NM_017934.5); short protein forms L1256V.
Identifiers: ClinVar variation 1683358 (VCV001683358.27), dbSNP rs975606164, ClinGen allele CA141859467.

ClinVar aggregate classification (germline): Uncertain significance. Review status: criteria provided, multiple submitters, no conflicts (2 of 4 stars). 4 submissions from 4 submitters: Uncertain significance (4). Last evaluated 2025-11-21.

Conditions:
Inborn genetic diseases. Identifiers: MedGen C0950123, MeSH D030342.
PHIP-related disorder. Also called: PHIP-related disorders; PHIP-related condition.

Allele frequency attached by ClinVar (database versions not stated): gnomAD exomes below 0.00001; gnomAD 0.00002 and 0.00004; TOPMed 0.00004.
gnomAD v4.1: 11 of 1,535,018 alleles (0.00072%); highest among the groups gnomAD compares: Admixed American, 0.0017%; no homozygotes.

Submissions (4):

PreventionGenetics, part of Exact Sciences
Classification: Uncertain significance for PHIP-related condition. Last evaluated: 2025-11-21. Review status: criteria provided, single submitter. Criteria: ACMG Guidelines, 2015. Collection method: clinical testing. Allele origin: germline.
Comment: The PHIP c.3766C>G variant is predicted to result in the amino acid substitution p.Leu1256Val. To our knowledge, this variant has not been reported in the literature. This variant is reported in 0.00088% of alleles in individuals of European (Non-Finnish) descent in gnomAD. At this time, the clinical significance of this variant is uncertain due to the absence of conclusive functional and genetic evidence.

Ambry Genetics
Classification: Uncertain significance for Inborn genetic diseases. Last evaluated: 2023-02-15. Review status: criteria provided, single submitter. Criteria: Ambry Variant Classification Scheme 2023. Collection method: clinical testing. Allele origin: germline.

CeGaT Center for Human Genetics Tuebingen
Classification: Uncertain significance. Last evaluated: 2022-07-01. Review status: criteria provided, single submitter. Criteria: CeGaT Center For Human Genetics Tuebingen Variant Classification Criteria Version 2. Collection method: clinical testing. Allele origin: germline. Affected: yes. Observed: 1 variant allele.
Comment: PHIP: PP2

Women's Health and Genetics/Laboratory Corporation of America, LabCorp
Classification: Uncertain significance. Last evaluated: 2022-04-21. Review status: criteria provided, single submitter. Criteria: LabCorp Variant Classification Summary - May 2015. Collection method: clinical testing. Allele origin: germline.
Comment: Variant summary: PHIP c.3766C>G (p.Leu1256Val) results in a conservative amino acid change located in the Bromodomain (IPR001487) of the encoded protein sequence. Three of five in-silico tools predict a benign effect of the variant on protein function. The variant allele was found at a frequency of 4e-06 in 250044 control chromosomes. The available data on variant occurrences in the general population are insufficient to allow any conclusion about variant significance. To our knowledge, no occurrence of c.3766C>G in individuals affected with Developmental Delay, Intellectual Disability, Obesity, And Dysmorphic Features and no experimental evidence demonstrating its impact on protein function have been reported. No clinical diagnostic laboratories have submitted clinical-significance assessments for this variant to ClinVar after 2014. Based on the evidence outlined above, the variant was classified as uncertain significance.